The following is an entry in ClinVar:

ClinVar aggregate classification (germline): Likely pathogenic (1 of 4 stars; one submission).

Conditions:
Dilated cardiomyopathy 1G (CMD1G). Identifiers: Orphanet 154, MedGen C1858763, MONDO:0011400, OMIM 604145.
Autosomal recessive limb-girdle muscular dystrophy type 2J (LGMDR10). Also called: Limb-girdle muscular dystrophy, type 2J; MUSCULAR DYSTROPHY, LIMB-GIRDLE, AUTOSOMAL RECESSIVE 10. Identifiers: Orphanet 140922, MedGen C1837342, MONDO:0012127, OMIM 608807.

Submission:

Labcorp Genetics (formerly Invitae), Labcorp
Classification: Likely pathogenic for Dilated cardiomyopathy 1G; Autosomal recessive limb-girdle muscular dystrophy type 2J. Last evaluated: 2024-10-28. Review status: criteria provided, single submitter. Criteria: Invitae Variant Classification Sherloc (09022015). Collection method: clinical testing. Allele origin: germline.
Comment: This sequence change affects a donor splice site in intron 150 of the TTN gene. It is expected to disrupt RNA splicing and likely results in a truncated or disrupted TTN protein. This variant is not present in population databases (gnomAD no frequency). This variant has not been reported in the literature in individuals affected with TTN-related conditions. ClinVar contains an entry for this variant (Variation ID: 658207). Algorithms developed to predict the effect of sequence changes on RNA splicing suggest that this variant may disrupt the consensus splice site. This variant is located in the I band of TTN (PMID: 25589632). Truncating variants in this region have been reported in individuals affected with autosomal recessive centronuclear myopathy (PMID: 23975875, internal data). Truncating variants in this region have also been identified in individuals affected with autosomal dominant dilated cardiomyopathy and/or cardio-related conditions (PMID: 27869827, 32964742, internal data). In summary, the currently available evidence indicates that the variant is pathogenic, but additional data are needed to prove that conclusively. Therefore, this variant has been classified as Likely Pathogenic.

Literature cited by the submitters: PubMed 25589632; PubMed 23975875; PubMed 27869827; PubMed 32964742.

NM_001267550.2(TTN):c.34612+2T>C

Gene: TTN (titin; minus strand). Cytogenetic location: 2q31.2.
Variant type: single nucleotide variant.
Coding change: c.34612+2T>C on transcript NM_001267550.2 (MANE Select); the canonical splice donor site of the intron after coding-DNA position 34612, T replaced by C.
Molecular consequence: splice donor variant. On other transcripts: intron variant (3).
Genome position (GRCh38, 1-based): chr2:178,675,037, A>G on the plus strand (T>C on the coding strand, the complement: TTN is on the minus strand). VCF-style: chr2-178675037-A-G. GRCh37 (hg19) VCF-style: chr2-179539764-A-G.
Other names: c.13283-32720T>C (NM_003319.4); c.13859-32720T>C (NM_133437.4); c.13658-32720T>C (NM_133432.3); c.30709+2T>C (NM_133378.4); c.33490+2T>C (NM_001256850.1).
Identifiers: ClinVar variation 658207 (VCV000658207.11), dbSNP rs1577253441, ClinGen allele CA349523971.
Genomic context (GRCh38, chr2:178,675,037, plus strand): 5'-ATATTAGACAATAATAAGACAAGGATGACTTTGAAATGTTATTTTCTTAGAAAGTTATCT[A>G]CCTTCAACTGGTAGAACTTCCTCTTCTTTAGGGAGAATGATTCGTTTTTCTTCCACCTTC-3'